The following is an entry in ClinVar:

ClinVar aggregate classification (germline): Uncertain significance. Review status: criteria provided, multiple submitters, no conflicts (2 of 4 stars). 2 submissions from 2 submitters: Uncertain significance (2). Last evaluated 2025-09-02.

Conditions:
Catecholaminergic polymorphic ventricular tachycardia 1. Also called: VENTRICULAR TACHYCARDIA, CATECHOLAMINERGIC POLYMORPHIC, 1, WITH OR WITHOUT ATRIAL DYSFUNCTION AND/OR DILATED CARDIOMYOPATHY; RYR2-Related Catecholaminergic Polymorphic Ventricular Tachycardia; VENTRICULAR TACHYCARDIA, STRESS-INDUCED POLYMORPHIC 1. Identifiers: Orphanet 3286, MedGen C1631597, MONDO:0011484, OMIM 604772.

Allele frequency attached by ClinVar (database versions not stated): gnomAD exomes below 0.00001.
gnomAD v4.1: 1 of 1,609,964 alleles (0.000062%); highest among the groups gnomAD compares: South Asian, 0.0011%; no homozygotes.

Submissions (2):

Labcorp Genetics (formerly Invitae), Labcorp
Classification: Uncertain significance for Catecholaminergic polymorphic ventricular tachycardia 1. Last evaluated: 2025-09-02. Review status: criteria provided, single submitter. Criteria: Invitae Variant Classification Sherloc (09022015). Collection method: clinical testing. Allele origin: germline.
Comment: This sequence change replaces threonine, which is neutral and polar, with isoleucine, which is neutral and non-polar, at codon 4907 of the RYR2 protein (p.Thr4907Ile). This variant is present in population databases (no rsID available, gnomAD 0.0009%). This variant has not been reported in the literature in individuals affected with RYR2-related conditions. ClinVar contains an entry for this variant (Variation ID: 1700783). Invitae Evidence Modeling of protein sequence and biophysical properties (such as structural, functional, and spatial information, amino acid conservation, physicochemical variation, residue mobility, and thermodynamic stability) has been performed for this missense variant. However, the output from this modeling did not meet the statistical confidence thresholds required to predict the impact of this variant on RYR2 protein function. In summary, the available evidence is currently insufficient to determine the role of this variant in disease. Therefore, it has been classified as a Variant of Uncertain Significance.

GeneDx
Classification: Uncertain significance. Last evaluated: 2024-05-30. Review status: criteria provided, single submitter. Criteria: GeneDx Variant Classification Process June 2021. Collection method: clinical testing. Allele origin: germline. Affected: yes.
Comment: Has not been previously published as pathogenic or benign to our knowledge; Not observed at significant frequency in large population cohorts (gnomAD); In silico analysis supports that this missense variant has a deleterious effect on protein structure/function; Located in one of the three hot-spot regions of the RYR2 gene, where the majority of pathogenic missense variants occur (PMID: 19926015); This variant is associated with the following publications: (PMID: 19926015)

NM_001035.3(RYR2):c.14720C>T (p.Thr4907Ile)

Gene: RYR2 (ryanodine receptor 2; plus strand). Cytogenetic location: 1q43.
Variant type: single nucleotide variant.
Coding change: c.14720C>T on transcript NM_001035.3 (MANE Select); coding-DNA position 14720, C replaced by T.
Protein change: p.Thr4907Ile; replaces threonine 4907 with isoleucine.
Molecular consequence: missense variant.
Genome position (GRCh38, 1-based): chr1:237,830,594, C>T. VCF-style: chr1-237830594-C-T. GRCh37 (hg19) VCF-style: chr1-237993894-C-T.
Other names: short protein forms T4907I.
Identifiers: ClinVar variation 1700783 (VCV001700783.4), dbSNP rs1285444245, ClinGen allele CA345409773.
Genomic context (GRCh38, chr1:237,830,594, plus strand): 5'-AATGCTTCATCTGTGGGATAGGCAATGATTACTTCGACACAGTGCCACATGGCTTTGAAA[C>T]CCACACTTTACAGGAGCACAACTTGGCTAATTACTTGTGAGTGTGCCCGTTTCAGAATCT-3'
Protein context (NP_001026.2, residues 4897-4917): YFDTVPHGFE[Thr4907Ile]HTLQEHNLAN